The following is an entry in ClinVar:

NM_001378418.1(TCF20):c.5570G>A (p.Gly1857Asp)

Gene: TCF20 (transcription factor 20; minus strand). Cytogenetic location: 22q13.2.
Variant type: single nucleotide variant.
Coding change: c.5570G>A on transcript NM_001378418.1 (MANE Select); coding-DNA position 5570, G replaced by A.
Protein change: p.Gly1857Asp; replaces glycine 1857 with aspartic acid.
Molecular consequence: missense variant.
Genome position (GRCh38, 1-based): chr22:42,209,736, C>T on the plus strand (G>A on the coding strand, the complement: TCF20 is on the minus strand). VCF-style: chr22-42209736-C-T. GRCh37 (hg19) VCF-style: chr22-42605742-C-T.
Other names: c.5570G>A, p.Gly1857Asp (NM_005650.4, NM_181492.3); short protein forms G1857D.
Identifiers: ClinVar variation 3906373 (VCV003906373.1).
Genomic context (GRCh38, chr22:42,209,736, plus strand): 5'-TCCTGCAGGCCATAGAGCCTGCCACAAACCAGGTAGATTCCATTGGCCCAGAGAATACAA[C>T]CCTCATGGACCCAAAATTCATTGCTGTCAAGAGGTAGTTCAGGGATTTGTAACTCCAGCT-3'
Protein context (NP_001365347.1, residues 1847-1867): LDSNEFWVHE[Gly1857Asp]CILWANGIYL

ClinVar aggregate classification (germline): Uncertain significance (1 of 4 stars; one submission).

gnomAD v4.1: 1 of 1,614,198 alleles (0.000062%); no homozygotes.

Submission:

GeneDx
Classification: Uncertain significance. Last evaluated: 2024-12-20. Review status: criteria provided, single submitter. Criteria: GeneDx Variant Classification Process June 2021. Collection method: clinical testing. Allele origin: germline. Affected: yes.
Comment: Not observed at significant frequency in large population cohorts (gnomAD); In silico analysis indicates that this missense variant does not alter protein structure/function; Has not been previously published as pathogenic or benign to our knowledge